The following is an entry in ClinVar:

NM_001394962.1(KIAA1210):c.3656A>G (p.Asn1219Ser)

Gene: KIAA1210 (KIAA1210; minus strand). Cytogenetic location: Xq24.
Variant type: single nucleotide variant.
Coding change: c.3656A>G on transcript NM_001394962.1 (MANE Select); coding-DNA position 3656, A replaced by G.
Protein change: p.Asn1219Ser; replaces asparagine 1219 with serine.
Molecular consequence: missense variant.
Genome position (GRCh38, 1-based): chrX:119,087,046, T>C on the plus strand (A>G on the coding strand, the complement: KIAA1210 is on the minus strand). VCF-style: chrX-119087046-T-C. GRCh37 (hg19) VCF-style: chrX-118221009-T-C.
Other names: c.4184A>G, p.Asn1395Ser (NM_020721.1); short protein forms N1219S, N1395S.
Identifiers: ClinVar variation 3898238 (VCV003898238.7).

ClinVar aggregate classification (germline): Likely benign (1 of 4 stars; one submission).

gnomAD v4.1: 75 of 1,209,644 alleles (0.0062%); highest among the groups gnomAD compares: Middle Eastern, 0.34%; no homozygotes.

Submission:

CeGaT Center for Human Genetics Tuebingen
Classification: Likely benign. Last evaluated: 2025-04-01. Review status: criteria provided, single submitter. Criteria: CeGaT Center For Human Genetics Tuebingen Variant Classification Criteria Version 2. Collection method: clinical testing. Allele origin: germline. Affected: yes. Observed: 1 variant allele.
Comment: KIAA1210: BP4, BS2